The following is an entry in ClinVar:

ClinVar aggregate classification (germline): Uncertain significance. Review status: criteria provided, multiple submitters, no conflicts (2 of 4 stars). 2 submissions from 2 submitters: Uncertain significance (2). Last evaluated 2026-03-30.

Allele frequency attached by ClinVar (database versions not stated): gnomAD 0.00001.
gnomAD v4.1: 5 of 1,614,016 alleles (0.00031%); highest among the groups gnomAD compares: Non-Finnish European, 0.00042%; no homozygotes.

Submissions (2):

GeneDx
Classification: Uncertain significance. Last evaluated: 2026-03-30. Review status: criteria provided, single submitter. Criteria: GeneDx Variant Classification Process June 2021. Collection method: clinical testing. Allele origin: germline.
Comment: Not observed at significant frequency in large population cohorts (gnomAD); In silico analysis suggests that this missense variant does not alter protein structure/function; Has not been previously published as pathogenic or benign to our knowledge

Labcorp Genetics (formerly Invitae), Labcorp
Classification: Uncertain significance. Last evaluated: 2024-08-13. Review status: criteria provided, single submitter. Criteria: Invitae Variant Classification Sherloc (09022015). Collection method: clinical testing. Allele origin: germline.
Comment: This sequence change replaces serine, which is neutral and polar, with arginine, which is basic and polar, at codon 69 of the RTTN protein (p.Ser69Arg). This variant is present in population databases (no rsID available, gnomAD 0.0009%). This variant has not been reported in the literature in individuals affected with RTTN-related conditions. ClinVar contains an entry for this variant (Variation ID: 1445796). Advanced modeling of protein sequence and biophysical properties (such as structural, functional, and spatial information, amino acid conservation, physicochemical variation, residue mobility, and thermodynamic stability) performed at Invitae indicates that this missense variant is not expected to disrupt RTTN protein function with a negative predictive value of 80%. In summary, the available evidence is currently insufficient to determine the role of this variant in disease. Therefore, it has been classified as a Variant of Uncertain Significance.

NM_173630.4(RTTN):c.207C>A (p.Ser69Arg)

Gene: RTTN (rotatin; minus strand). Cytogenetic location: 18q22.2.
Variant type: single nucleotide variant.
Coding change: c.207C>A on transcript NM_173630.4 (MANE Select); coding-DNA position 207, C replaced by A.
Protein change: p.Ser69Arg; replaces serine 69 with arginine.
Molecular consequence: missense variant. On other transcripts: 5 prime UTR variant (1).
Genome position (GRCh38, 1-based): chr18:70,205,140, G>T on the plus strand (C>A on the coding strand, the complement: RTTN is on the minus strand). VCF-style: chr18-70205140-G-T. GRCh37 (hg19) VCF-style: chr18-67872376-G-T.
Other names: c.-2347C>A (NM_001318520.2); c.207C>A (NM_173630.3); short protein forms S69R.
Identifiers: ClinVar variation 1445796 (VCV001445796.9), dbSNP rs1447774690, ClinGen allele CA402692804.